The following is an entry in ClinVar:

NM_001037.5(SCN1B):c.448+167C>G

Gene: SCN1B (sodium voltage-gated channel beta subunit 1; plus strand). Cytogenetic location: 19q13.11.
Variant type: single nucleotide variant.
Coding change: c.448+167C>G on transcript NM_001037.5 (MANE Select); 167 bases into the intron after coding-DNA position 448, C replaced by G.
Molecular consequence: intron variant. On other transcripts: synonymous variant (1).
Genome position (GRCh38, 1-based): chr19:35,033,906, C>G. VCF-style: chr19-35033906-C-G. GRCh37 (hg19) VCF-style: chr19-35524810-C-G.
Other names: c.615C>G, p.Leu205= (NM_199037.5); c.349+167C>G (NM_001321605.2).
Identifiers: ClinVar variation 632979 (VCV000632979.13), dbSNP rs529053826, ClinGen allele CA9372045.

ClinVar aggregate classification (germline): Benign/Likely benign. Review status: criteria provided, multiple submitters, no conflicts (2 of 4 stars). 3 submissions from 3 submitters: Benign (1); Likely benign (2). Last evaluated 2025-08-22.

Conditions:
Brugada syndrome 5 (BRGDA5). Identifiers: Orphanet 130, Orphanet 871, MedGen C2748541, MONDO:0013015, OMIM 612838.

Allele frequency attached by ClinVar (database versions not stated): gnomAD below 0.00001 and 0.00004; TOPMed 0.00001; gnomAD exomes 0.00006 and 0.00009; 1000 Genomes Project 30x 0.00016; 1000 Genomes Project 0.00020; ExAC 0.00021.

Submissions (3):

Labcorp Genetics (formerly Invitae), Labcorp
Classification: Likely benign for Brugada syndrome 5. Last evaluated: 2025-08-22. Review status: criteria provided, single submitter. Criteria: Invitae Variant Classification Sherloc (09022015). Collection method: clinical testing. Allele origin: germline.

GeneDx
Classification: Likely benign. Last evaluated: 2018-11-16. Review status: criteria provided, single submitter. Criteria: GeneDx Variant Classification Process June 2021. Collection method: clinical testing. Allele origin: germline. Affected: yes.

Women's Health and Genetics/Laboratory Corporation of America, LabCorp
Classification: Benign. Last evaluated: 2018-08-14. Review status: criteria provided, single submitter. Criteria: LabCorp Variant Classification Summary - May 2015. Collection method: clinical testing. Allele origin: germline.
Comment: Variant summary: SCN1B c.615C>G alters a non-conserved nucleotide resulting in a synonymous change. 5/5 computational tools predict no significant impact on normal splicing. However, these predictions have yet to be confirmed by functional studies. The observed variant frequency within South Asian control individuals in the gnomAD database is approximately 64-fold above the estimated maximal expected allele frequency for a pathogenic variant in SCN1B causing Arrhythmia phenotype (1e-05), strongly suggesting that the variant is a benign polymorphism found primarily in populations of South Asian origin. To our knowledge, no occurrence of c.615C>G in individuals affected with Arrhythmia and no experimental evidence demonstrating its impact on protein function have been reported. No clinical diagnostic laboratories have submitted clinical-significance assessments for this variant to ClinVar after 2014. Based on the evidence outlined above, the variant was classified as benign.